The following is an entry in ClinVar:

ClinVar aggregate classification (germline): Likely benign (0 of 4 stars; one submission).

Allele frequency attached by ClinVar (database versions not stated): ExAC 0.00004; TOPMed 0.00005; gnomAD exomes 0.00006.

Submission:

Department of Pathology and Laboratory Medicine, Sinai Health System
Classification: Likely benign. Review status: no assertion criteria provided. Collection method: clinical testing. Allele origin: unknown. Affected: yes. Study: The Canadian Open Genetics Repository (COGR).
Comment: The SYP p.Gln18Gln variant was not identified in the literature nor was it identified in Cosmic or LOVD 3.0. The variant was identified in dbSNP (ID: rs781815856) and ClinVar (classified as likely benign by Illumina for intellectual disability). The variant was identified in control databases in 10 of 202818 chromosomes (3 hemizygous) at a frequency of 0.000049 (Genome Aggregation Database Feb 27, 2017). The variant was observed in the following populations: East Asian in 9 of 14798 chromosomes (freq: 0.000608) and Other in 1 of 5261 chromosomes (freq: 0.00019), but not in the African, Latino, Ashkenazi Jewish, European (Finnish), European (non-Finnish), and South Asian populations. The p.Gln18Gln variant is not expected to have clinical significance because it does not result in a change of amino acid and is not located in a known consensus splice site. In addition, only 2 of 4 in silico or computational prediction software programs (SpliceSiteFinder, MaxEntScan, NNSPLICE, GeneSplicer) predict a difference in splicing. In summary, based on the above information the clinical significance of this variant cannot be determined with certainty at this time although we would lean towards a more benign role for this variant. This variant is classified as likely benign.

NM_003179.3(SYP):c.54G>A (p.Gln18=)

Genes: SYP (synaptophysin; minus strand), SYP-AS1 (SYP antisense RNA 1; plus strand). Cytogenetic location: Xp11.23.
Variant type: single nucleotide variant.
Coding change: c.54G>A on transcript NM_003179.3 (MANE Select); coding-DNA position 54, G replaced by A.
Protein change: p.Gln18=; no amino-acid change (glutamine 18 retained).
Molecular consequence: synonymous variant. On other transcripts: non-coding transcript variant (1).
Genome position (GRCh38, 1-based): chrX:49,199,016, C>T on the plus strand (G>A on the coding strand, the complement: SYP is on the minus strand). VCF-style: chrX-49199016-C-T. GRCh37 (hg19) VCF-style: chrX-49055475-C-T.
Identifiers: ClinVar variation 368468 (VCV000368468.2), dbSNP rs781815856, ClinGen allele CA10409857.